The following is an entry in ClinVar:

ClinVar aggregate classification (germline): Conflicting classifications of pathogenicity. Review status: criteria provided, conflicting classifications (1 of 4 stars). 2 submissions from 2 submitters: Likely pathogenic (1); Uncertain significance (1). Last evaluated 2024-04-03.

Submissions (2):

GeneDx
Classification: Likely pathogenic. Last evaluated: 2024-04-03. Review status: criteria provided, single submitter. Criteria: GeneDx Variant Classification Process June 2021. Collection method: clinical testing. Allele origin: germline. Affected: yes.
Comment: Not observed in large population cohorts (gnomAD); In silico analysis supports that this missense variant has a deleterious effect on protein structure/function; In-silico analysis, which includes splice predictors and evolutionary conservation, is inconclusive as to whether the variant alters gene splicing. In the absence of RNA/functional studies, the actual effect of this sequence change is unknown.; This variant is associated with the following publications: (PMID: 35982159, 33057194)

Eurofins Ntd Llc (ga)
Classification: Uncertain significance. Last evaluated: 2013-08-16. Review status: criteria provided, single submitter. Criteria: EGL Classification Definitions 2015. Collection method: clinical testing. Allele origin: germline. Observed: 1 variant allele, 1 heterozygote.

NM_000719.7(CACNA1C):c.2234T>C (p.Leu745Pro)

Gene: CACNA1C (calcium voltage-gated channel subunit alpha1 C; plus strand). Cytogenetic location: 12p13.33.
Variant type: single nucleotide variant.
Coding change: c.2234T>C on transcript NM_000719.7 (MANE Select); coding-DNA position 2234, T replaced by C.
Protein change: p.Leu745Pro; replaces leucine 745 with proline.
Molecular consequence: missense variant.
Genome position (GRCh38, 1-based): chr12:2,584,512, T>C. VCF-style: chr12-2584512-T-C. GRCh37 (hg19) VCF-style: chr12-2693678-T-C.
Other names: c.2234T>C, p.Leu745Pro (NM_001129837.2, NM_001129838.2, NM_001129839.2 and 18 more transcripts); c.2225T>C, p.Leu742Pro (NM_001129844.2); short protein forms L745P, L742P.
Identifiers: ClinVar variation 93395 (VCV000093395.9), dbSNP rs398123518, ClinGen allele CA221263.
Genomic context (GRCh38, chr12:2,584,512, plus strand): 5'-CACCAAAACCCCAAACCAAGGGTCATTTTCTTTAAGAATGGACACAAACAGATATCCTAC[T>C]GAATGTGTTCTTGGCCATTGCTGTGGACAACCTGGCTGATGCTGAGAGCCTCACATCTGC-3'
Protein context (NP_000710.5, residues 735-755): ILFICGNYIL[Leu745Pro]NVFLAIAVDN